The following is an entry in ClinVar:

ClinVar aggregate classification (germline): Uncertain significance (1 of 4 stars; one submission).

Conditions:
Cohen syndrome (COH1). Also called: Cutis verticis gyrata, retinitis pigmentosa, and sensorineural deafness; PEPPER SYNDROME. Identifiers: Orphanet 193, MedGen C0265223, MONDO:0008999, OMIM 216550.

Allele frequency attached by ClinVar (database versions not stated): gnomAD exomes below 0.00001; ExAC 0.00001.
gnomAD v4.1: 1 of 1,613,454 alleles (0.000062%); highest among the groups gnomAD compares: Admixed American, 0.0017%; no homozygotes.

Submission:

Labcorp Genetics (formerly Invitae), Labcorp
Classification: Uncertain significance for Cohen syndrome. Last evaluated: 2025-12-29. Review status: criteria provided, single submitter. Criteria: Invitae Variant Classification Sherloc (09022015). Collection method: clinical testing. Allele origin: germline.
Comment: This sequence change replaces proline, which is neutral and non-polar, with threonine, which is neutral and polar, at codon 794 of the VPS13B protein (p.Pro794Thr). This variant is present in population databases (rs754548698, gnomAD 0.003%). This variant has not been reported in the literature in individuals affected with VPS13B-related conditions. ClinVar contains an entry for this variant (Variation ID: 1027128). Invitae Evidence Modeling of protein sequence and biophysical properties (such as structural, functional, and spatial information, amino acid conservation, physicochemical variation, residue mobility, and thermodynamic stability) indicates that this missense variant is expected to disrupt VPS13B protein function with a positive predictive value of 80%. In summary, the available evidence is currently insufficient to determine the role of this variant in disease. Therefore, it has been classified as a Variant of Uncertain Significance.

NM_152564.5(VPS13B):c.2380C>A (p.Pro794Thr)

Gene: VPS13B (vacuolar protein sorting 13 homolog B; plus strand). Cytogenetic location: 8q22.2.
Variant type: single nucleotide variant.
Coding change: c.2380C>A on transcript NM_152564.5 (MANE Select); coding-DNA position 2380, C replaced by A.
Protein change: p.Pro794Thr; replaces proline 794 with threonine.
Molecular consequence: missense variant.
Genome position (GRCh38, 1-based): chr8:99,192,922, C>A. VCF-style: chr8-99192922-C-A. GRCh37 (hg19) VCF-style: chr8-100205150-C-A.
Other names: c.2380C>A, p.Pro794Thr (NM_017890.5, NM_015243.3); short protein forms P794T.
Identifiers: ClinVar variation 1027128 (VCV001027128.5), dbSNP rs754548698, ClinGen allele CA4822896.